The following is an entry in ClinVar:

ClinVar aggregate classification (germline): Uncertain significance. Review status: criteria provided, multiple submitters, no conflicts (2 of 4 stars). 2 submissions from 2 submitters: Uncertain significance (2). Last evaluated 2026-09-15.

Conditions:
ACOX2-related disorder. Also called: ACOX2-related condition.

Allele frequency attached by ClinVar (database versions not stated): gnomAD 0.00010; TOPMed 0.00012; 1000 Genomes Project 30x 0.00016; 1000 Genomes Project 0.00020; gnomAD exomes 0.00022 and 0.00025; ESP Exome Variant Server 0.00023; ExAC 0.00036.
gnomAD v4.1: 349 of 1,614,144 alleles (0.022%); highest among the groups gnomAD compares: Non-Finnish European, 0.027%; no homozygotes.

Submissions (2):

PreventionGenetics, part of Exact Sciences
Classification: Uncertain significance for ACOX2-related condition. Last evaluated: 2026-09-15. Review status: criteria provided, single submitter. Criteria: ACMG Guidelines, 2015. Collection method: clinical testing. Allele origin: germline.
Comment: The ACOX2 c.1693G>C variant is predicted to result in the amino acid substitution p.Glu565Gln. To our knowledge, this variant has not been reported in the literature. This variant is reported in 0.047% of alleles in individuals of European (Non-Finnish) descent in gnomAD. At this time, the clinical significance of this variant is uncertain due to the absence of conclusive functional and genetic evidence.

CeGaT Center for Human Genetics Tuebingen
Classification: Uncertain significance. Last evaluated: 2021-12-01. Review status: criteria provided, single submitter. Criteria: CeGaT Center For Human Genetics Tuebingen Variant Classification Criteria Version 2. Collection method: clinical testing. Allele origin: germline. Affected: yes. Observed: 1 variant allele.

NM_003500.4(ACOX2):c.1693G>C (p.Glu565Gln)

Gene: ACOX2 (acyl-CoA oxidase 2; minus strand). Cytogenetic location: 3p14.3.
Variant type: single nucleotide variant.
Coding change: c.1693G>C on transcript NM_003500.4 (MANE Select); coding-DNA position 1693, G replaced by C.
Protein change: p.Glu565Gln; replaces glutamic acid 565 with glutamine.
Molecular consequence: missense variant.
Genome position (GRCh38, 1-based): chr3:58,517,363, C>G on the plus strand (G>C on the coding strand, the complement: ACOX2 is on the minus strand). VCF-style: chr3-58517363-C-G. GRCh37 (hg19) VCF-style: chr3-58503090-C-G.
Other names: c.1693G>C (NM_003500.3); short protein forms E565Q.
Identifiers: ClinVar variation 1335532 (VCV001335532.36), dbSNP rs141585104, ClinGen allele CA2471977.